The following is an entry in ClinVar:

NM_001572.5(IRF7):c.1006G>A (p.Glu336Lys)

Gene: IRF7 (interferon regulatory factor 7; minus strand). Cytogenetic location: 11p15.5.
Variant type: single nucleotide variant.
Coding change: c.1006G>A on transcript NM_001572.5 (MANE Select); coding-DNA position 1006, G replaced by A.
Protein change: p.Glu336Lys; replaces glutamic acid 336 with lysine.
Molecular consequence: missense variant.
Genome position (GRCh38, 1-based): chr11:613,437, C>T on the plus strand (G>A on the coding strand, the complement: IRF7 is on the minus strand). VCF-style: chr11-613437-C-T. GRCh37 (hg19) VCF-style: chr11-613437-C-T.
Other names: c.919G>A, p.Glu307Lys (NM_004029.4); c.1045G>A, p.Glu349Lys (NM_004031.4); short protein forms E307K, E349K, E336K.
Identifiers: ClinVar variation 2083184 (VCV002083184.4), dbSNP rs758734626, ClinGen allele CA5783612.

ClinVar aggregate classification (germline): Uncertain significance (1 of 4 stars; one submission).

Conditions:
Immunodeficiency 39 (IMD39). Identifiers: Orphanet 574918, MedGen C4225358, MONDO:0014597, OMIM 616345.

Allele frequency attached by ClinVar (database versions not stated): gnomAD exomes 0.00003; gnomAD 0.00009; TOPMed 0.00015; ExAC 0.00017.
gnomAD v4.1: 56 of 1,558,912 alleles (0.0036%); highest among the groups gnomAD compares: Admixed American, 0.064%; no homozygotes.

Submission:

Labcorp Genetics (formerly Invitae), Labcorp
Classification: Uncertain significance for Immunodeficiency 39. Last evaluated: 2026-01-14. Review status: criteria provided, single submitter. Criteria: Invitae Variant Classification Sherloc (09022015). Collection method: clinical testing. Allele origin: germline.
Comment: This sequence change replaces glutamic acid, which is acidic and polar, with lysine, which is basic and polar, at codon 349 of the IRF7 protein (p.Glu349Lys). This variant is present in population databases (rs758734626, gnomAD 0.1%), and has an allele count higher than expected for a pathogenic variant. This variant has not been reported in the literature in individuals affected with IRF7-related conditions. ClinVar contains an entry for this variant (Variation ID: 2083184). Invitae Evidence Modeling of protein sequence and biophysical properties (such as structural, functional, and spatial information, amino acid conservation, physicochemical variation, residue mobility, and thermodynamic stability) indicates that this missense variant is not expected to disrupt IRF7 protein function with a negative predictive value of 80%. In summary, the available evidence is currently insufficient to determine the role of this variant in disease. Therefore, it has been classified as a Variant of Uncertain Significance.